The following is an entry in ClinVar:

NM_001048174.2(MUTYH):c.1063C>T (p.Leu355Phe)

Gene: MUTYH (mutY DNA glycosylase; minus strand). Cytogenetic location: 1p34.1.
Variant type: single nucleotide variant.
Coding change: c.1063C>T on transcript NM_001048174.2 (MANE Select); coding-DNA position 1063, C replaced by T.
Protein change: p.Leu355Phe; replaces leucine 355 with phenylalanine.
Molecular consequence: missense variant. On other transcripts: non-coding transcript variant (7).
Genome position (GRCh38, 1-based): chr1:45,331,700, G>A on the plus strand (C>T on the coding strand, the complement: MUTYH is on the minus strand). VCF-style: chr1-45331700-G-A. GRCh37 (hg19) VCF-style: chr1-45797372-G-A.
Other names: c.1063C>T, p.Leu355Phe (NM_001048171.2, NM_001048173.2, NM_001293195.2 and 6 more transcripts); c.1066C>T, p.Leu356Phe (NM_001048172.2, NM_001407071.1, NM_001407078.1 and 1 more transcripts); c.1147C>T, p.Leu383Phe (NM_001128425.2); c.1108C>T, p.Leu370Phe (NM_001293190.2); c.1096C>T, p.Leu366Phe (NM_001293191.2, NM_001407069.1, NM_001407077.1); c.787C>T, p.Leu263Phe (NM_001293192.2, NM_001293196.2, NM_001407091.1); c.718C>T, p.Leu240Phe (NM_001350650.2, NM_001350651.2, NM_001407082.1); c.979C>T, p.Leu327Phe (NM_001407075.1); and 5 more; short protein forms L263F, L342F, L362F, L366F, L369F, L370F, L240F, L327F.
Identifiers: ClinVar variation 4113055 (VCV004113055.1).

ClinVar aggregate classification (germline): Uncertain significance (1 of 4 stars; one submission).

Conditions:
Hereditary cancer-predisposing syndrome. Also called: Tumor predisposition; Neoplastic Syndromes, Hereditary; Hereditary neoplastic syndrome; Hereditary Cancer Syndrome. Identifiers: Orphanet 140162, MedGen C0027672, MeSH D009386, MONDO:0015356.

Submission:

Ambry Genetics
Classification: Uncertain significance for Hereditary cancer-predisposing syndrome. Last evaluated: 2025-08-27. Review status: criteria provided, single submitter. Criteria: Ambry Variant Classification Scheme 2023. Collection method: clinical testing. Allele origin: germline.
Comment: The p.L383F variant (also known as c.1147C>T), located in coding exon 12 of the MUTYH gene, results from a C to T substitution at nucleotide position 1147. The leucine at codon 383 is replaced by phenylalanine, an amino acid with highly similar properties. This amino acid position is conserved. In addition, this alteration is predicted to be tolerated by in silico analysis. Based on the available evidence, the clinical significance of this variant remains unclear.